The following is an entry in ClinVar:

ClinVar aggregate classification (germline): Uncertain significance (1 of 4 stars; one submission).

gnomAD v4.1: 1 of 1,590,376 alleles (0.000063%); highest among the groups gnomAD compares: Non-Finnish European, 0.000085%; no homozygotes.

Submission:

Labcorp Genetics (formerly Invitae), Labcorp
Classification: Uncertain significance. Last evaluated: 2022-10-05. Review status: criteria provided, single submitter. Criteria: Invitae Variant Classification Sherloc (09022015). Collection method: clinical testing. Allele origin: germline.
Comment: This variant is not present in population databases (gnomAD no frequency). In summary, the available evidence is currently insufficient to determine the role of this variant in disease. Therefore, it has been classified as a Variant of Uncertain Significance. Advanced modeling of protein sequence and biophysical properties (such as structural, functional, and spatial information, amino acid conservation, physicochemical variation, residue mobility, and thermodynamic stability) performed at Invitae indicates that this missense variant is expected to disrupt REPS1 protein function. ClinVar contains an entry for this variant (Variation ID: 1446366). This variant has not been reported in the literature in individuals affected with REPS1-related conditions. This sequence change replaces glutamic acid, which is acidic and polar, with lysine, which is basic and polar, at codon 54 of the REPS1 protein (p.Glu54Lys).

NM_001286611.2(REPS1):c.160G>A (p.Glu54Lys)

Gene: REPS1 (RALBP1 associated Eps domain containing 1; minus strand). Cytogenetic location: 6q24.1.
Variant type: single nucleotide variant.
Coding change: c.160G>A on transcript NM_001286611.2 (MANE Select); coding-DNA position 160, G replaced by A.
Protein change: p.Glu54Lys; replaces glutamic acid 54 with lysine.
Molecular consequence: missense variant.
Genome position (GRCh38, 1-based): chr6:138,947,907, C>T on the plus strand (G>A on the coding strand, the complement: REPS1 is on the minus strand). VCF-style: chr6-138947907-C-T. GRCh37 (hg19) VCF-style: chr6-139269044-C-T.
Other names: c.160G>A, p.Glu54Lys (NM_001128617.3, NM_001286612.2, NM_031922.5); short protein forms E54K.
Identifiers: ClinVar variation 1446366 (VCV001446366.6), dbSNP rs2128479140, ClinGen allele CA365815743.